The following is an entry in ClinVar:

ClinVar aggregate classification (germline): Uncertain significance (1 of 4 stars; one submission).

Allele frequency attached by ClinVar (database versions not stated): TOPMed below 0.00001; gnomAD exomes 0.00001.
gnomAD v4.1: 3 of 1,601,132 alleles (0.00019%); highest among the groups gnomAD compares: Non-Finnish European, 0.00026%; no homozygotes.

Submission:

Genetic Services Laboratory, University of Chicago
Classification: Uncertain significance. Last evaluated: 2021-09-21. Review status: criteria provided, single submitter. Criteria: ACMG Guidelines, 2015. Collection method: clinical testing. Allele origin: germline. Affected: no.
Comment: This sequence change does not appear to have been previously described in patients with PMS1-related disorders and has also not been described in the large population databases such as ExAC and gnomAD (dbSNP rs1401358453). The p.Ile358Val change affects a poorly conserved amino acid residue located in a domain of the PMS1 protein that is not known to be functional. The p.Ile358Val substitution appears to be benign using several in-silico pathogenicity prediction tools (SIFT, PolyPhen2, Align GVGD, REVEL).Due to these contrasting evidences and the lack of functional studies, the clinical significance of the p.Ile358Val change remains unknown at this time.

NM_000534.5(PMS1):c.1072A>G (p.Ile358Val)

Gene: PMS1 (PMS1 homolog 1, mismatch repair system component; plus strand). Cytogenetic location: 2q32.2.
Variant type: single nucleotide variant.
Coding change: c.1072A>G on transcript NM_000534.5 (MANE Select); coding-DNA position 1072, A replaced by G.
Protein change: p.Ile358Val; replaces isoleucine 358 with valine.
Molecular consequence: missense variant. On other transcripts: non-coding transcript variant (1).
Genome position (GRCh38, 1-based): chr2:189,854,344, A>G. VCF-style: chr2-189854344-A-G. GRCh37 (hg19) VCF-style: chr2-190719070-A-G.
Other names: c.955A>G, p.Ile319Val (NM_001128143.2, NM_001321044.2); c.1072A>G, p.Ile358Val (NM_001128144.2, NM_001321045.2, NM_001321047.2 and 1 more transcripts); c.544A>G, p.Ile182Val (NM_001289408.2, NM_001289409.2); c.889A>G, p.Ile297Val (NM_001321046.2); short protein forms I182V, I297V, I319V, I358V.
Identifiers: ClinVar variation 1336689 (VCV001336689.4), dbSNP rs1401358453, ClinGen allele CA349876494.